The following is an entry in ClinVar:

NM_001130987.2(DYSF):c.3737T>C (p.Leu1246Pro)

Gene: DYSF (dysferlin; plus strand). Cytogenetic location: 2p13.2.
Variant type: single nucleotide variant.
Coding change: c.3737T>C on transcript NM_001130987.2 (MANE Select); coding-DNA position 3737, T replaced by C.
Protein change: p.Leu1246Pro; replaces leucine 1246 with proline.
Molecular consequence: missense variant.
Genome position (GRCh38, 1-based): chr2:71,598,726, T>C. VCF-style: chr2-71598726-T-C. GRCh37 (hg19) VCF-style: chr2-71825856-T-C.
Other names: c.3683T>C, p.Leu1228Pro (NM_003494.4, NM_001130978.2); c.3686T>C, p.Leu1229Pro (NM_001130455.2, NM_001130983.2); c.3641T>C, p.Leu1214Pro (NM_001130976.2, NM_001130977.2); c.3776T>C, p.Leu1259Pro (NM_001130979.2); c.3734T>C, p.Leu1245Pro (NM_001130980.2, NM_001130981.2); c.3779T>C, p.Leu1260Pro (NM_001130982.2); c.3644T>C, p.Leu1215Pro (NM_001130984.2, NM_001130986.2); c.3737T>C, p.Leu1246Pro (NM_001130985.2); short protein forms L1214P, L1215P, L1228P, L1229P, L1245P, L1246P, L1259P, L1260P.
Identifiers: ClinVar variation 1180667 (VCV001180667.11), dbSNP rs2152855991, ClinGen allele CA347224316.

ClinVar aggregate classification (germline): Conflicting classifications of pathogenicity. Review status: criteria provided, conflicting classifications (1 of 4 stars). 3 submissions from 3 submitters: Likely pathogenic (2); Uncertain significance (1). Last evaluated 2021-09-06.

Conditions:
Abnormality of the musculature. Identifiers: MedGen C4021745, HP:0003011.
Neuromuscular disease caused by qualitative or quantitative defects of dysferlin. Also called: Qualitative or quantitative defects of dysferlin; Dysferlinopathy. Identifiers: Orphanet 207073, MedGen C2931687, MONDO:0016145.
Autosomal recessive limb-girdle muscular dystrophy type 2B (LGMDR2). Also called: Limb-Girdle Muscular Dystrophy Type 2B (LGMD2B); MUSCULAR DYSTROPHY, LIMB-GIRDLE, TYPE 3; MUSCULAR DYSTROPHY, LIMB-GIRDLE, AUTOSOMAL RECESSIVE 2; Limb-girdle muscular dystrophy, type 2B. Identifiers: Orphanet 268, MedGen C1850889, MONDO:0009676, OMIM 253601.

Submissions (3):

MGZ Medical Genetics Center
Classification: Uncertain significance for Autosomal recessive limb-girdle muscular dystrophy type 2B. Last evaluated: 2021-09-06. Review status: criteria provided, single submitter. Criteria: ACMG Guidelines, 2015. Collection method: clinical testing. Allele origin: germline. Affected: yes. Observed: 1 variant allele.
Comment: ACMG criteria applied: PM3, PM2_SUP, PP3

Kariminejad - Najmabadi Pathology & Genetics Center
Classification: Likely pathogenic for Abnormality of the musculature. Last evaluated: 2021-07-10. Review status: criteria provided, single submitter. Criteria: ACMG Guidelines, 2015. Collection method: clinical testing. Allele origin: germline. Affected: yes.

Labcorp Genetics (formerly Invitae), Labcorp
Classification: Likely pathogenic for Neuromuscular disease caused by qualitative or quantitative defects of dysferlin. Last evaluated: 2021-04-04. Review status: criteria provided, single submitter. Criteria: Invitae Variant Classification Sherloc (09022015). Collection method: clinical testing. Allele origin: germline.
Comment: This variant has been observed in individual(s) with limb-girdle muscular dystrophy (PMID: 18853459). This variant is not present in population databases (ExAC no frequency). This sequence change replaces leucine with proline at codon 1228 of the DYSF protein (p.Leu1228Pro). The leucine residue is moderately conserved and there is a moderate physicochemical difference between leucine and proline. In summary, the currently available evidence indicates that the variant is pathogenic, but additional data are needed to prove that conclusively. Therefore, this variant has been classified as Likely Pathogenic. Advanced modeling of protein sequence and biophysical properties (such as structural, functional, and spatial information, amino acid conservation, physicochemical variation, residue mobility, and thermodynamic stability) performed at Invitae indicates that this missense variant is expected to disrupt DYSF protein function.

Literature cited by the submitters: PubMed 18853459 (cited by Labcorp Genetics (formerly Invitae), Labcorp).